The following is an entry in ClinVar:

ClinVar aggregate classification (germline): Uncertain significance (1 of 4 stars; one submission).

Allele frequency attached by ClinVar (database versions not stated): gnomAD exomes 0.00001 and 0.00003; TOPMed 0.00001; ExAC 0.00002.
gnomAD v4.1: 21 of 1,613,778 alleles (0.0013%); highest among the groups gnomAD compares: Middle Eastern, 0.016%; no homozygotes.

Submission:

Labcorp Genetics (formerly Invitae), Labcorp
Classification: Uncertain significance. Last evaluated: 2021-04-05. Review status: criteria provided, single submitter. Criteria: Invitae Variant Classification Sherloc (09022015). Collection method: clinical testing. Allele origin: germline.
Comment: This variant has not been reported in the literature in individuals with RCBTB1-related conditions. In summary, the available evidence is currently insufficient to determine the role of this variant in disease. Therefore, it has been classified as a Variant of Uncertain Significance. Algorithms developed to predict the effect of sequence changes on RNA splicing suggest that this variant may create or strengthen a splice site, but this prediction has not been confirmed by published transcriptional studies. Algorithms developed to predict the effect of missense changes on protein structure and function output the following: SIFT: "Tolerated"; PolyPhen-2: "Benign"; Align-GVGD: "Class C0". The serine amino acid residue is found in multiple mammalian species, suggesting that this missense change does not adversely affect protein function. These predictions have not been confirmed by published functional studies and their clinical significance is uncertain. This variant is present in population databases (rs776101316, ExAC 0.01%). This sequence change replaces asparagine with serine at codon 199 of the RCBTB1 protein (p.Asn199Ser). The asparagine residue is highly conserved and there is a small physicochemical difference between asparagine and serine.

NM_018191.4(RCBTB1):c.596A>G (p.Asn199Ser)

Gene: RCBTB1 (RCC1 and BTB domain containing protein 1; minus strand). Cytogenetic location: 13q14.2.
Variant type: single nucleotide variant.
Coding change: c.596A>G on transcript NM_018191.4 (MANE Select); coding-DNA position 596, A replaced by G.
Protein change: p.Asn199Ser; replaces asparagine 199 with serine.
Molecular consequence: missense variant. On other transcripts: non-coding transcript variant (2).
Genome position (GRCh38, 1-based): chr13:49,555,522, T>C on the plus strand (A>G on the coding strand, the complement: RCBTB1 is on the minus strand). VCF-style: chr13-49555522-T-C. GRCh37 (hg19) VCF-style: chr13-50129658-T-C.
Other names: c.596A>G, p.Asn199Ser (NM_001352500.2, NM_001352501.2, NM_001352502.2 and 3 more transcripts); c.17A>G, p.Asn6Ser (NM_001352506.2); short protein forms N6S, N199S.
Identifiers: ClinVar variation 1401755 (VCV001401755.8), dbSNP rs776101316, ClinGen allele CA6982843.